The following is an entry in ClinVar:

NM_006618.5(KDM5B):c.3139C>T (p.Arg1047Ter)

Gene: KDM5B (lysine demethylase 5B; minus strand). Cytogenetic location: 1q32.1.
Variant type: single nucleotide variant.
Coding change: c.3139C>T on transcript NM_006618.5 (MANE Select); coding-DNA position 3139, C replaced by T.
Protein change: p.Arg1047Ter; replaces arginine 1047 with a stop codon.
Molecular consequence: nonsense.
Genome position (GRCh38, 1-based): chr1:202,736,338, G>A on the plus strand (C>T on the coding strand, the complement: KDM5B is on the minus strand). VCF-style: chr1-202736338-G-A. GRCh37 (hg19) VCF-style: chr1-202705466-G-A.
Other names: c.3247C>T, p.Arg1083Ter (NM_001314042.2); c.3004C>T, p.Arg1002Ter (NM_001347591.2); c.3124C>T, p.Arg1042Ter (NM_001399817.1); short protein forms R1002*, R1042*, R1047*, R1083*.
Identifiers: ClinVar variation 1804411 (VCV001804411.5), dbSNP rs750775126, ClinGen allele CA344263671.

ClinVar aggregate classification (germline): Pathogenic/Likely pathogenic. Review status: criteria provided, multiple submitters, no conflicts (2 of 4 stars). 4 submissions from 4 submitters: Pathogenic (2); Likely pathogenic (1). 1 of the submissions does not count toward it. Last evaluated 2025-07-30.

Conditions:
Intellectual developmental disorder, autosomal recessive 65. Also called: Intellectual disability, autosomal recessive 65; MENTAL RETARDATION, AUTOSOMAL RECESSIVE 65. Identifiers: MedGen C4748219, MONDO:0020850, OMIM 618109.

Allele frequency attached by ClinVar (database versions not stated): gnomAD 0.00001.
gnomAD v4.1: 5 of 1,611,342 alleles (0.00031%); highest among the groups gnomAD compares: East Asian, 0.0022%; no homozygotes.

Submissions (4):

Labcorp Genetics (formerly Invitae), Labcorp
Classification: Pathogenic. Last evaluated: 2025-07-30. Review status: criteria provided, single submitter. Criteria: Invitae Variant Classification Sherloc (09022015). Collection method: clinical testing. Allele origin: germline.
Comment: This sequence change creates a premature translational stop signal (p.Arg1047*) in the KDM5B gene. It is expected to result in an absent or disrupted protein product. Loss-of-function variants in KDM5B are known to be pathogenic (PMID: 29276005, 30409806). This variant is present in population databases (no rsID available, gnomAD 0.06%). This premature translational stop signal has been observed in individual(s) with autism (PMID: 31133750, 36368308). ClinVar contains an entry for this variant (Variation ID: 1804411). For these reasons, this variant has been classified as Pathogenic.

GeneDx
Classification: Pathogenic. Last evaluated: 2025-03-13. Review status: criteria provided, single submitter. Criteria: GeneDx Variant Classification Process June 2021. Collection method: clinical testing. Allele origin: germline.
Comment: De novo variant in a patient with autism spectrum disorder tested via exome analysis; however, a second KDM5B variant was not reported in this individual (PMID: 25363768); Not observed at significant frequency in large population cohorts (gnomAD); Nonsense variant predicted to result in protein truncation or nonsense mediated decay in a gene for which loss of function is a known mechanism of disease; This variant is associated with the following publications: (PMID: 31332282, 31785789, 35982160, 36368308, 35982159, 31133750, 25363768)

Pediatric/Medical Genetics, Ministry of Health, Qatif Central Hospital
Classification: Likely pathogenic for Intellectual developmental disorder, autosomal recessive 65. Review status: criteria provided, single submitter. Criteria: ACMG Guidelines, 2015. Collection method: clinical testing. Allele origin: de novo. Inheritance: Autosomal dominant inheritance. Affected: yes. Observed: 1 heterozygote.

Clinical Genetics Laboratory, University Hospital Schleswig-Holstein
Classification: Pathogenic for Intellectual developmental disorder, autosomal recessive 65. Last evaluated: 2023-11-09. Review status: no assertion criteria provided. Collection method: clinical testing. Allele origin: maternal. Affected: yes. Not counted in ClinVar's aggregate classification.

Literature cited by the submitters: PubMed 29276005 (cited by Labcorp Genetics (formerly Invitae), Labcorp); PubMed 30409806 (cited by Labcorp Genetics (formerly Invitae), Labcorp); PubMed 31133750 (cited by Labcorp Genetics (formerly Invitae), Labcorp); PubMed 36368308 (cited by Labcorp Genetics (formerly Invitae), Labcorp).